The following is an entry in ClinVar:

ClinVar aggregate classification (germline): Likely benign (0 of 4 stars; one submission).

Conditions:
SPTA1-related disorder. Also called: SPTA1-related condition; SPTA1-related disorders.

Allele frequency attached by ClinVar (database versions not stated): 1000 Genomes Project 30x 0.00016; 1000 Genomes Project 0.00020.

Submission:

PreventionGenetics, part of Exact Sciences
Classification: Likely benign for SPTA1-related condition. Last evaluated: 2021-12-31. Review status: no assertion criteria provided. Collection method: clinical testing. Allele origin: germline.
Comment: This variant is classified as likely benign based on ACMG/AMP sequence variant interpretation guidelines (Richards et al. 2015 PMID: 25741868, with internal and published modifications).

NM_003126.4(SPTA1):c.954C>T (p.Asp318=)

Gene: SPTA1 (spectrin alpha, erythrocytic 1; minus strand). Cytogenetic location: 1q23.1.
Variant type: single nucleotide variant.
Coding change: c.954C>T on transcript NM_003126.4 (MANE Select); coding-DNA position 954, C replaced by T.
Protein change: p.Asp318=; no amino-acid change (aspartic acid 318 retained).
Molecular consequence: synonymous variant.
Genome position (GRCh38, 1-based): chr1:158,677,693, G>A on the plus strand (C>T on the coding strand, the complement: SPTA1 is on the minus strand). VCF-style: chr1-158677693-G-A. GRCh37 (hg19) VCF-style: chr1-158647483-G-A.
Identifiers: ClinVar variation 3029525 (VCV003029525.2), dbSNP rs139325333, ClinGen allele CA1183968.
Genomic context (GRCh38, chr1:158,677,693, plus strand): 5'-ATCAACAATTGCCTCTTCTAGCTCAACGGGTTAGCCATTTCTCTAACAGCGCATTACCTT[G>A]TCACTCATGACAGCAAGATTTCTCTCAAGTCCCTTGTGACTGTGAAACAGTCCTTCAGAG-3'
Protein context (NP_003117.2, residues 308-328): GLERNLAVMS[Asp318=]KVKELCAKAE